The following is an entry in ClinVar:

NM_018979.4(WNK1):c.6943C>T (p.His2315Tyr)

Gene: WNK1 (WNK lysine deficient protein kinase 1; plus strand). Cytogenetic location: 12p13.33.
Variant type: single nucleotide variant.
Coding change: c.6943C>T on transcript NM_018979.4 (MANE Select); coding-DNA position 6943, C replaced by T.
Protein change: p.His2315Tyr; replaces histidine 2315 with tyrosine.
Molecular consequence: missense variant.
Genome position (GRCh38, 1-based): chr12:908,586, C>T. VCF-style: chr12-908586-C-T. GRCh37 (hg19) VCF-style: chr12-1017752-C-T.
Other names: c.7723C>T, p.His2575Tyr (NM_001184985.2); c.6199C>T, p.His2067Tyr (NM_014823.3); c.7699C>T, p.His2567Tyr (NM_213655.5); short protein forms H2575Y, H2067Y, H2315Y, H2567Y.
Identifiers: ClinVar variation 1468434 (VCV001468434.6), dbSNP rs2154104506, ClinGen allele CA383340972.

ClinVar aggregate classification (germline): Uncertain significance (1 of 4 stars; one submission).

Conditions:
Neuropathy, hereditary sensory and autonomic, type 2A (HSAN2A). Also called: ACROOSTEOLYSIS, GIACCAI TYPE; ACROOSTEOLYSIS, NEUROGENIC; MORVAN DISEASE; NEUROPATHY, CONGENITAL SENSORY; NEUROPATHY, HEREDITARY SENSORY RADICULAR, AUTOSOMAL RECESSIVE; NEUROPATHY, HEREDITARY SENSORY, TYPE IIA. Identifiers: Orphanet 970, MedGen C2752089, MONDO:0024309, OMIM 201300.
Pseudohypoaldosteronism type 2C (PHA2C). Also called: Pseudohypoaldosteronism Type IIC. Identifiers: Orphanet 757, Orphanet 88940, MedGen C1840391, MONDO:0013778, OMIM 614492.

gnomAD v4.1: 9 of 1,614,150 alleles (0.00056%); highest among the groups gnomAD compares: Non-Finnish European, 0.00076%; no homozygotes.

Submission:

Labcorp Genetics (formerly Invitae), Labcorp
Classification: Uncertain significance for Neuropathy, hereditary sensory and autonomic, type 2A; Pseudohypoaldosteronism type 2C. Last evaluated: 2022-04-01. Review status: criteria provided, single submitter. Criteria: Invitae Variant Classification Sherloc (09022015). Collection method: clinical testing. Allele origin: germline.
Comment: In summary, the available evidence is currently insufficient to determine the role of this variant in disease. Therefore, it has been classified as a Variant of Uncertain Significance. Advanced modeling of protein sequence and biophysical properties (such as structural, functional, and spatial information, amino acid conservation, physicochemical variation, residue mobility, and thermodynamic stability) performed at Invitae indicates that this missense variant is not expected to disrupt WNK1 protein function. This variant has not been reported in the literature in individuals affected with WNK1-related conditions. This variant is not present in population databases (gnomAD no frequency). This sequence change replaces histidine, which is basic and polar, with tyrosine, which is neutral and polar, at codon 2567 of the WNK1 protein (p.His2567Tyr).